The following is an entry in ClinVar:

ClinVar aggregate classification (germline): Uncertain significance. Review status: criteria provided, multiple submitters, no conflicts (2 of 4 stars). 5 submissions from 5 submitters: Uncertain significance (5). Last evaluated 2026-02-02.

Conditions:
Hereditary cancer-predisposing syndrome. Also called: Tumor predisposition; Hereditary Cancer Syndrome; Neoplastic Syndromes, Hereditary; Hereditary neoplastic syndrome. Identifiers: Orphanet 140162, MedGen C0027672, MeSH D009386, MONDO:0015356.
Familial cancer of breast. Also called: Hereditary breast cancer; BREAST CANCER, FAMILIAL; hereditary breast carcinoma. Identifiers: Orphanet 227535, MedGen C0346153, MONDO:0016419, OMIM 114480. Disease mechanism: loss of function.
Fanconi anemia complementation group J. Also called: BRIP1-Related Fanconi Anemia. Identifiers: Orphanet 84, MedGen C1836860, MONDO:0012187, OMIM 609054.

Allele frequency attached by ClinVar (database versions not stated): gnomAD exomes below 0.00001; ExAC 0.00001; gnomAD 0.00001; TOPMed 0.00001.
gnomAD v4.1: 4 of 1,607,178 alleles (0.00025%); highest among the groups gnomAD compares: Non-Finnish European, 0.00034%; no homozygotes.

Submissions (5):

Labcorp Genetics (formerly Invitae), Labcorp
Classification: Uncertain significance for Familial cancer of breast; Fanconi anemia complementation group J. Last evaluated: 2026-02-02. Review status: criteria provided, single submitter. Criteria: Invitae Variant Classification Sherloc (09022015). Collection method: clinical testing. Allele origin: germline.
Comment: This sequence change replaces tyrosine, which is neutral and polar, with histidine, which is basic and polar, at codon 822 of the BRIP1 protein (p.Tyr822His). This variant is present in population databases (rs760887592, gnomAD 0.006%). This missense change has been observed in individual(s) with breast cancer (PMID: 29368626, 31822495). ClinVar contains an entry for this variant (Variation ID: 216788). Invitae Evidence Modeling of protein sequence and biophysical properties (such as structural, functional, and spatial information, amino acid conservation, physicochemical variation, residue mobility, and thermodynamic stability) has been performed for this missense variant. However, the output from this modeling did not meet the statistical confidence thresholds required to predict the impact of this variant on BRIP1 protein function. Experimental studies have shown that this missense change affects BRIP1 function (PMID: 31822495). In summary, the available evidence is currently insufficient to determine the role of this variant in disease. Therefore, it has been classified as a Variant of Uncertain Significance.

Ambry Genetics
Classification: Uncertain significance for Hereditary cancer-predisposing syndrome. Last evaluated: 2024-11-07. Review status: criteria provided, single submitter. Criteria: Ambry Variant Classification Scheme 2023. Collection method: clinical testing. Allele origin: germline.
Comment: The p.Y822H variant (also known as c.2464T>C), located in coding exon 16 of the BRIP1 gene, results from a T to C substitution at nucleotide position 2464. The tyrosine at codon 822 is replaced by histidine, an amino acid with similar properties. This alteration was detected in 1/101,759 breast cancer cases and 0/15,587 ovarian cancer cases, and in an inter-strand cross link damage survival assay, this alteration was found to be functionally hypomorphic (Moyer CL et al. Cancer Res. 2020 Feb;80:857-867). This amino acid position is highly conserved in available vertebrate species. In addition, this alteration is predicted to be deleterious by in silico analysis. Based on the available evidence, the clinical significance of this variant remains unclear.

Women's Health and Genetics/Laboratory Corporation of America, LabCorp
Classification: Uncertain significance. Last evaluated: 2024-03-25. Review status: criteria provided, single submitter. Criteria: LabCorp Variant Classification Summary - May 2015. Collection method: clinical testing. Allele origin: germline.
Comment: Variant summary: BRIP1 c.2464T>C (p.Tyr822His) results in a conservative amino acid change located in the ATP-dependent helicase, C-terminal domain (IPR006555) of the encoded protein sequence. Four of five in-silico tools predict a damaging effect of the variant on protein function. The variant allele was found at a frequency of 4e-06 in 250042 control chromosomes (gnomAD). c.2464T>C has been reported in the literature in individuals affected with Breast Cancer without strong evidence of causality (Weber-Lassalle_2018, Moyer_2020). These reports do not provide unequivocal conclusions about association of the variant with Breast Cancer. At least one publication reports experimental evidence evaluating an impact on protein function, finding that the variant does not fully rescue interstrand cross-link activity and was considered hypomorphic (Moyer_2020). The following publications have been ascertained in the context of this evaluation (PMID: 31822495, 29368626). ClinVar contains an entry for this variant (Variation ID: 216788). Based on the evidence outlined above, the variant was classified as VUS-possibly pathogenic.

Color Diagnostics, LLC DBA Color Health
Classification: Uncertain significance for Hereditary cancer-predisposing syndrome. Last evaluated: 2024-02-05. Review status: criteria provided, single submitter. Criteria: ACMG Guidelines, 2015. Collection method: clinical testing. Allele origin: germline.
Comment: This missense variant replaces tyrosine with histidine at codon 822 of the BRIP1 protein. Computational prediction suggests that this variant may have deleterious impact on protein structure and function. A functional study has shown that the variant protein partially rescued cells in response to DNA damage in a cell viability assay (PMID: 31822495). This variant has been reported in an individual affected with breast cancer (PMID: 31822495). This variant has been identified in 1/250042 chromosomes in the general population by the Genome Aggregation Database (gnomAD). The available evidence is insufficient to determine the role of this variant in disease conclusively. Therefore, this variant is classified as a Variant of Uncertain Significance.

Baylor Genetics
Classification: Uncertain significance for Familial cancer of breast. Last evaluated: 2023-07-29. Review status: criteria provided, single submitter. Criteria: ACMG Guidelines, 2015. Collection method: clinical testing. Allele origin: unknown.

Literature cited by the submitters: PubMed 29368626 (cited by Labcorp Genetics (formerly Invitae), Labcorp and Women's Health and Genetics/Laboratory Corporation of America, LabCorp); PubMed 31822495 (cited by 4 submitters).

NM_032043.3(BRIP1):c.2464T>C (p.Tyr822His)

Gene: BRIP1 (BRCA1 interacting DNA helicase 1; minus strand). Cytogenetic location: 17q23.2.
Variant type: single nucleotide variant.
Coding change: c.2464T>C on transcript NM_032043.3 (MANE Select); coding-DNA position 2464, T replaced by C.
Protein change: p.Tyr822His; replaces tyrosine 822 with histidine.
Molecular consequence: missense variant.
Genome position (GRCh38, 1-based): chr17:61,715,979, A>G on the plus strand (T>C on the coding strand, the complement: BRIP1 is on the minus strand). VCF-style: chr17-61715979-A-G. GRCh37 (hg19) VCF-style: chr17-59793340-A-G.
Other names: short protein forms Y822H.
Identifiers: ClinVar variation 216788 (VCV000216788.25), dbSNP rs760887592, ClinGen allele CA336264.
Genomic context (GRCh38, chr17:61,715,979, plus strand): 5'-GATAATATTATATTAAATTTCACTCCACTTACCTACCAAGGGCCTGGTTTAAGGCCCTGT[A>G]TGCTTGAATTTCATACCACTGACGGCCAGGTAGAAGACCTCTCAATTTTGAATGGTGGTC-3'
Protein context (NP_114432.2, residues 812-832): PGRQWYEIQA[Tyr822His]RALNQALGRC